The following is an entry in ClinVar:

NM_007294.4(BRCA1):c.5171A>C (p.Lys1724Thr)

Gene: BRCA1 (BRCA1 DNA repair associated; minus strand). Cytogenetic location: 17q21.31.
Variant type: single nucleotide variant.
Coding change: c.5171A>C on transcript NM_007294.4 (MANE Select); coding-DNA position 5171, A replaced by C.
Protein change: p.Lys1724Thr; replaces lysine 1724 with threonine.
Molecular consequence: missense variant. On other transcripts: non-coding transcript variant (1).
Genome position (GRCh38, 1-based): chr17:43,063,355, T>G on the plus strand (A>C on the coding strand, the complement: BRCA1 is on the minus strand). VCF-style: chr17-43063355-T-G. GRCh37 (hg19) VCF-style: chr17-41215372-T-G.
Other names: c.1859A>C, p.Lys620Thr (NM_007299.4, NM_007304.2, NM_001407984.1 and 13 more transcripts); c.5234A>C, p.Lys1745Thr (NM_007300.4, NM_001407583.1, NM_001407585.1 and 1 more transcripts); c.4958A>C, p.Lys1653Thr (NM_001407571.1, NM_001407900.1, NM_001407902.1 and 12 more transcripts); c.5237A>C, p.Lys1746Thr (NM_001407581.1, NM_001407582.1); c.5168A>C, p.Lys1723Thr (NM_001407610.1, NM_001407611.1, NM_001407612.1 and 17 more transcripts); c.5165A>C, p.Lys1722Thr (NM_001407629.1, NM_001407630.1, NM_001407631.1 and 14 more transcripts); c.5111A>C, p.Lys1704Thr (NM_001407649.1); c.5093A>C, p.Lys1698Thr (NM_001407652.1, NM_001407653.1, NM_001407654.1 and 1 more transcripts); and 72 more; short protein forms K1745T, K620T, K1677T, K1724T, K1612T, K1613T, K1634T, K1636T.
Identifiers: ClinVar variation 867761 (VCV000867761.3), dbSNP rs2051863566, ClinGen allele CA10591203.

Conditions:
Breast-ovarian cancer, familial, susceptibility to, 1 (BROVCA1). Also called: BRCA1 Hereditary Breast and Ovarian Cancer; OVARIAN CANCER, SUSCEPTIBILITY TO. Identifiers: Orphanet 145, MedGen C2676676, MONDO:0011450, OMIM 604370. Disease mechanism: loss of function.

Submission:

Brotman Baty Institute, University of Washington
No classification provided (evidence only). Condition: Breast-ovarian cancer, familial 1. Review status: no classification provided. Collection method: in vitro. Allele origin: not applicable. Functional consequence: functionally_normal.
ClinVar note: "not provided" was previously submitted as the classification for the variant. However, the classification appeared to be based only on an observation of functional data so it was converted to no classification on 2025-07-30.